The following is an entry in ClinVar:

NM_014822.4(SEC24D):c.202C>T (p.Gln68Ter)

Gene: SEC24D (SEC24 homolog D, COPII component; minus strand). Cytogenetic location: 4q26.
Variant type: single nucleotide variant.
Coding change: c.202C>T on transcript NM_014822.4 (MANE Select); coding-DNA position 202, C replaced by T.
Protein change: p.Gln68Ter; replaces glutamine 68 with a stop codon.
Molecular consequence: nonsense.
Genome position (GRCh38, 1-based): chr4:118,824,666, G>A on the plus strand (C>T on the coding strand, the complement: SEC24D is on the minus strand). VCF-style: chr4-118824666-G-A. GRCh37 (hg19) VCF-style: chr4-119745821-G-A.
Other names: c.202C>T, p.Gln68Ter (NM_001318066.2); short protein forms Q68*.
Identifiers: ClinVar variation 3727177 (VCV003727177.2).

ClinVar aggregate classification (germline): Pathogenic (1 of 4 stars; one submission).

Submission:

Labcorp Genetics (formerly Invitae), Labcorp
Classification: Pathogenic. Last evaluated: 2025-01-15. Review status: criteria provided, single submitter. Criteria: Invitae Variant Classification Sherloc (09022015). Collection method: clinical testing. Allele origin: germline.
Comment: This sequence change creates a premature translational stop signal (p.Gln68*) in the SEC24D gene. It is expected to result in an absent or disrupted protein product. Loss-of-function variants in SEC24D are known to be pathogenic (PMID: 25683121, 30462379). This variant is not present in population databases (gnomAD no frequency). This variant has not been reported in the literature in individuals affected with SEC24D-related conditions. For these reasons, this variant has been classified as Pathogenic.

Literature cited by the submitters: PubMed 25683121; PubMed 30462379.